The following is an entry in ClinVar:

ClinVar aggregate classification (germline): Likely benign (1 of 4 stars; one submission).

Allele frequency attached by ClinVar (database versions not stated): TOPMed 0.00001; gnomAD exomes 0.00001.
gnomAD v4.1: 7 of 1,612,630 alleles (0.00043%); highest among the groups gnomAD compares: Non-Finnish European, 0.00059%; no homozygotes.

Submission:

CeGaT Center for Human Genetics Tuebingen
Classification: Likely benign. Last evaluated: 2024-05-01. Review status: criteria provided, single submitter. Criteria: CeGaT Center For Human Genetics Tuebingen Variant Classification Criteria Version 2. Collection method: clinical testing. Allele origin: germline. Affected: yes. Observed: 1 variant allele.
Comment: TET3: BP4, BP7

NM_001287491.2(TET3):c.1536C>T (p.Pro512=)

Gene: TET3 (tet methylcytosine dioxygenase 3; plus strand). Cytogenetic location: 2p13.1.
Variant type: single nucleotide variant.
Coding change: c.1536C>T on transcript NM_001287491.2 (MANE Select); coding-DNA position 1536, C replaced by T.
Protein change: p.Pro512=; no amino-acid change (proline 512 retained).
Molecular consequence: synonymous variant.
Genome position (GRCh38, 1-based): chr2:74,047,453, C>T. VCF-style: chr2-74047453-C-T. GRCh37 (hg19) VCF-style: chr2-74274580-C-T.
Other names: c.1257C>T, p.Pro419= (NM_001366022.1); c.1131C>T, p.Pro377= (NM_144993.1).
Identifiers: ClinVar variation 3239569 (VCV003239569.19), dbSNP rs1015098644.
Genomic context (GRCh38, chr2:74,047,453, plus strand): 5'-GGAGGCACCCTCTTCCTCCCCGGCCCCGGCCCCATCCCCTGTACTTCAGAGGGAGGCTCC[C>T]ACGCCATCCTCGGAGCCCGACACCCACCAGAAGGCCCAGACCGCCCTGCAGCAGCACCTC-3'
Protein context (NP_001274420.1, residues 502-522): APSPVLQREA[Pro512=]TPSSEPDTHQ